The following is an entry in ClinVar:

NM_018699.4(PRDM5):c.386A>G (p.Glu129Gly)

Gene: PRDM5 (PR/SET domain 5; minus strand). Cytogenetic location: 4q27.
Variant type: single nucleotide variant.
Coding change: c.386A>G on transcript NM_018699.4 (MANE Select); coding-DNA position 386, A replaced by G.
Protein change: p.Glu129Gly; replaces glutamic acid 129 with glycine.
Molecular consequence: missense variant.
Genome position (GRCh38, 1-based): chr4:120,821,260, T>C on the plus strand (A>G on the coding strand, the complement: PRDM5 is on the minus strand). VCF-style: chr4-120821260-T-C. GRCh37 (hg19) VCF-style: chr4-121742415-T-C.
Other names: c.386A>G, p.Glu129Gly (NM_001300823.2, NM_001300824.2, NM_001379104.1 and 1 more transcripts); short protein forms E129G.
Identifiers: ClinVar variation 2562031 (VCV002562031.2), dbSNP rs1755224998, ClinGen allele CA358208831.

ClinVar aggregate classification (germline): Uncertain significance (1 of 4 stars; one submission).

Conditions:
Cardiovascular phenotype. Identifiers: MedGen CN230736.

Allele frequency attached by ClinVar (database versions not stated): TOPMed 0.00001.

Submission:

Ambry Genetics
Classification: Uncertain significance for Cardiovascular phenotype. Last evaluated: 2023-06-12. Review status: criteria provided, single submitter. Criteria: Ambry Variant Classification Scheme 2023. Collection method: clinical testing. Allele origin: germline.
Comment: The p.E129G variant (also known as c.386A>G), located in coding exon 4 of the PRDM5 gene, results from an A to G substitution at nucleotide position 386. The glutamic acid at codon 129 is replaced by glycine, an amino acid with similar properties. This amino acid position is conserved. In addition, the in silico prediction for this alteration is inconclusive. Since supporting evidence is limited at this time, the clinical significance of this alteration remains unclear.